The following is an entry in ClinVar:

ClinVar aggregate classification (germline): Conflicting classifications of pathogenicity. Review status: criteria provided, conflicting classifications (1 of 4 stars). 3 submissions from 3 submitters: Uncertain significance (2); Likely benign (1). Last evaluated 2025-09-24.

Conditions:
Sessile serrated polyposis cancer syndrome (SSPCS). Identifiers: Orphanet 157798, MedGen C4310714, MONDO:0014919, OMIM 617108.

Allele frequency attached by ClinVar (database versions not stated): TOPMed 0.00001; gnomAD 0.00002.
gnomAD v4.1: 3 of 1,613,372 alleles (0.00019%); highest among the groups gnomAD compares: African/African-American, 0.004%; no homozygotes.

Submissions (3):

Ambry Genetics
Classification: Likely benign. Last evaluated: 2025-09-24. Review status: criteria provided, single submitter. Criteria: Ambry Variant Classification Scheme 2023. Collection method: clinical testing. Allele origin: germline.

Labcorp Genetics (formerly Invitae), Labcorp
Classification: Uncertain significance. Last evaluated: 2025-07-27. Review status: criteria provided, single submitter. Criteria: Invitae Variant Classification Sherloc (09022015). Collection method: clinical testing. Allele origin: germline.
Comment: This sequence change replaces alanine, which is neutral and non-polar, with valine, which is neutral and non-polar, at codon 672 of the RNF43 protein (p.Ala672Val). This variant is not present in population databases (gnomAD no frequency). This variant has not been reported in the literature in individuals affected with RNF43-related conditions. ClinVar contains an entry for this variant (Variation ID: 2678391). An algorithm developed to predict the effect of missense changes on protein structure and function outputs the following: PolyPhen-2: "Benign". The valine amino acid residue is found in multiple mammalian species, which suggests that this missense change does not adversely affect protein function. In summary, the available evidence is currently insufficient to determine the role of this variant in disease. Therefore, it has been classified as a Variant of Uncertain Significance.

Baylor Genetics
Classification: Uncertain significance for Sessile serrated polyposis cancer syndrome. Last evaluated: 2024-03-19. Review status: criteria provided, single submitter. Criteria: ACMG Guidelines, 2015. Collection method: clinical testing. Allele origin: unknown.

NM_017763.6(RNF43):c.2015C>T (p.Ala672Val)

Gene: RNF43 (ring finger protein 43; minus strand). Cytogenetic location: 17q22.
Variant type: single nucleotide variant.
Coding change: c.2015C>T on transcript NM_017763.6 (MANE Select); coding-DNA position 2015, C replaced by T.
Protein change: p.Ala672Val; replaces alanine 672 with valine.
Molecular consequence: missense variant.
Genome position (GRCh38, 1-based): chr17:58,357,761, G>A on the plus strand (C>T on the coding strand, the complement: RNF43 is on the minus strand). VCF-style: chr17-58357761-G-A. GRCh37 (hg19) VCF-style: chr17-56435122-G-A.
Other names: c.2015C>T (NM_017763.4); c.2015C>T, p.Ala672Val (NM_001305544.3); c.1634C>T, p.Ala545Val (NM_001305545.2); short protein forms A545V, A672V.
Identifiers: ClinVar variation 2678391 (VCV002678391.7), dbSNP rs868456972, ClinGen allele CA292030502.